The following is an entry in ClinVar:

NM_006766.5(KAT6A):c.1421A>G (p.Gln474Arg)

Gene: KAT6A (lysine acetyltransferase 6A; minus strand). Cytogenetic location: 8p11.21.
Variant type: single nucleotide variant.
Coding change: c.1421A>G on transcript NM_006766.5 (MANE Select); coding-DNA position 1421, A replaced by G.
Protein change: p.Gln474Arg; replaces glutamine 474 with arginine.
Molecular consequence: missense variant.
Genome position (GRCh38, 1-based): chr8:41,974,765, T>C on the plus strand (A>G on the coding strand, the complement: KAT6A is on the minus strand). VCF-style: chr8-41974765-T-C. GRCh37 (hg19) VCF-style: chr8-41832283-T-C.
Other names: c.1421A>G, p.Gln474Arg (NM_001305878.2); short protein forms Q474R.
Identifiers: ClinVar variation 2957295 (VCV002957295.3), dbSNP rs1823965427, ClinGen allele CA371075383.

ClinVar aggregate classification (germline): Uncertain significance (1 of 4 stars; one submission).

Allele frequency attached by ClinVar (database versions not stated): gnomAD exomes below 0.00001; TOPMed below 0.00001.
gnomAD v4.1: 2 of 1,610,608 alleles (0.00012%); highest among the groups gnomAD compares: Non-Finnish European, 0.000085%; no homozygotes.

Submission:

Labcorp Genetics (formerly Invitae), Labcorp
Classification: Uncertain significance. Last evaluated: 2025-01-21. Review status: criteria provided, single submitter. Criteria: Invitae Variant Classification Sherloc (09022015). Collection method: clinical testing. Allele origin: germline.
Comment: This sequence change replaces glutamine, which is neutral and polar, with arginine, which is basic and polar, at codon 474 of the KAT6A protein (p.Gln474Arg). This variant is not present in population databases (gnomAD no frequency). This variant has not been reported in the literature in individuals affected with KAT6A-related conditions. ClinVar contains an entry for this variant (Variation ID: 2957295). Invitae Evidence Modeling of protein sequence and biophysical properties (such as structural, functional, and spatial information, amino acid conservation, physicochemical variation, residue mobility, and thermodynamic stability) indicates that this missense variant is not expected to disrupt KAT6A protein function with a negative predictive value of 95%. In summary, the available evidence is currently insufficient to determine the role of this variant in disease. Therefore, it has been classified as a Variant of Uncertain Significance.